The following is an entry in ClinVar:

NM_001166108.2(PALLD):c.1965-1G>A

Gene: PALLD (palladin, cytoskeletal associated protein; plus strand). Cytogenetic location: 4q32.3.
Variant type: single nucleotide variant.
Coding change: c.1965-1G>A on transcript NM_001166108.2 (MANE Select); the canonical splice acceptor site of the intron before coding-DNA position 1965, G replaced by A.
Molecular consequence: splice acceptor variant.
Genome position (GRCh38, 1-based): chr4:168,890,921, G>A. VCF-style: chr4-168890921-G-A. GRCh37 (hg19) VCF-style: chr4-169812072-G-A.
Other names: c.1965-1G>A (NM_016081.4); c.819-1G>A (NM_001166109.2); c.504-1G>A (NM_001166110.2); c.-157-1G>A (NM_001367570.1, NM_001367568.1, NM_001367567.1 and 1 more transcripts).
Identifiers: ClinVar variation 4130406 (VCV004130406.1).
Genomic context (GRCh38, chr4:168,890,921, plus strand): 5'-GTTTGACTTGGATTTATATGCCTGACAACTAACTATACTGCCTTGTGTTTTTATCCTGCA[G>A]AGGATTTCCAAAGAAGGCCAGTAGAACTGCTAGAATAGCCTCCGATGAGGAAATTCAAGG-3'

ClinVar aggregate classification (germline): Uncertain significance (1 of 4 stars; one submission).

Submission:

Ambry Genetics
Classification: Uncertain significance. Last evaluated: 2025-08-01. Review status: criteria provided, single submitter. Criteria: Ambry Variant Classification Scheme 2023. Collection method: clinical testing. Allele origin: germline.
Comment: The c.504-1G>A intronic variant results from a G to A substitution one nucleotide upstream from coding exon 2 of the PALLD gene. This nucleotide position is well conserved in available vertebrate species. In silico splice site analysis predicts that this alteration will weaken the native splice acceptor site and will result in the creation or strengthening of a novel splice acceptor site. The evidence for this gene-disease relationship is limited; therefore, the clinical significance of this alteration is unclear.